The following is an entry in ClinVar:

NM_005188.4(CBL):c.2353C>G (p.Leu785Val)

Gene: CBL (Cbl proto-oncogene; plus strand). Cytogenetic location: 11q23.3.
Variant type: single nucleotide variant.
Coding change: c.2353C>G on transcript NM_005188.4 (MANE Select); coding-DNA position 2353, C replaced by G.
Protein change: p.Leu785Val; replaces leucine 785 with valine.
Molecular consequence: missense variant.
Genome position (GRCh38, 1-based): chr11:119,298,459, C>G. VCF-style: chr11-119298459-C-G. GRCh37 (hg19) VCF-style: chr11-119169169-C-G.
Other names: short protein forms L785V.
Identifiers: ClinVar variation 4800625 (VCV004800625.1).
Genomic context (GRCh38, chr11:119,298,459, plus strand): 5'-GAGGAGTCAGAAAATGAGGATGATGGGTATGATGTCCCAAAGCCACCTGTGCCGGCCGTG[C>G]TGGCCCGCCGAACTCTCTCAGATATCTCTAATGCCAGCTCCTCCTTTGGCTGGTTGTCTC-3'
Protein context (NP_005179.2, residues 775-795): DVPKPPVPAV[Leu785Val]ARRTLSDISN

ClinVar aggregate classification (germline): Uncertain significance (1 of 4 stars; one submission).

Conditions:
RASopathy. Also called: rasopathies; Noonan spectrum disorder. Identifiers: Orphanet 536391, MedGen C5555857, MONDO:0021060.

Submission:

Labcorp Genetics (formerly Invitae), Labcorp
Classification: Uncertain significance for RASopathy. Last evaluated: 2025-11-02. Review status: criteria provided, single submitter. Criteria: Invitae Variant Classification Sherloc (09022015). Collection method: clinical testing. Allele origin: germline.
Comment: This sequence change replaces leucine, which is neutral and non-polar, with valine, which is neutral and non-polar, at codon 785 of the CBL protein (p.Leu785Val). This variant is not present in population databases (gnomAD no frequency). This variant has not been reported in the literature in individuals affected with CBL-related conditions. Invitae Evidence Modeling of protein sequence and biophysical properties (such as structural, functional, and spatial information, amino acid conservation, physicochemical variation, residue mobility, and thermodynamic stability) indicates that this missense variant is not expected to disrupt CBL protein function with a negative predictive value of 95%. In summary, the available evidence is currently insufficient to determine the role of this variant in disease. Therefore, it has been classified as a Variant of Uncertain Significance.